The following is an entry in ClinVar:

NM_001199397.3(NEK1):c.1485_1487del (p.His496del)

Gene: NEK1 (NIMA related kinase 1; minus strand). Cytogenetic location: 4q33.
Variant type: Deletion.
Coding change: c.1485_1487del on transcript NM_001199397.3 (MANE Select); coding-DNA positions 1485 to 1487, 3 bases deleted (CCA; older notation c.1485_1487delCCA).
Protein change: p.His496del; deletes histidine 496.
Molecular consequence: inframe deletion. On other transcripts: non-coding transcript variant (1), intron variant (3).
Genome position (GRCh38, 1-based): chr4:169,555,795-169,555,797, TGG deleted on the plus strand (CCA on the coding strand, the reverse complement: NEK1 is on the minus strand); deleting any 3 consecutive bases within chr4:169,555,795-169,555,799 gives the same sequence; the c. name uses the placement nearest the transcript's 3' end. VCF-style (leftmost placement, unchanged base first): chr4-169555794-ATGG-A. GRCh37 (hg19) VCF-style: chr4-170476945-ATGG-A.
Other names: c.1485_1487del, p.His496del (NM_001374418.1, NM_001374419.1, NM_012224.4); c.1434_1436del, p.His479del (NM_001374420.1); c.1359_1361del, p.His454del (NM_001374421.1); c.1355+135_1355+137del (NM_001199399.3); c.1430+135_1430+137del (NM_001199398.3, NM_001199400.3); short protein forms H454del, H479del, H496del.
Identifiers: ClinVar variation 3348728 (VCV003348728.1).

ClinVar aggregate classification (germline): Uncertain significance (0 of 4 stars; one submission).

Conditions:
NEK1-related disorder. Also called: NEK1-related condition.

Submission:

PreventionGenetics, part of Exact Sciences
Classification: Uncertain significance for NEK1-related condition. Last evaluated: 2024-04-02. Review status: no assertion criteria provided. Collection method: clinical testing. Allele origin: germline.
Comment: The NEK1 c.1485_1487delCCA variant is predicted to result in an in-frame deletion (p.His496del). To our knowledge, this variant has not been reported in the literature or in a large population database, indicating this variant is rare. At this time, the clinical significance of this variant is uncertain due to the absence of conclusive functional and genetic evidence.